The following is an entry in ClinVar:

ClinVar aggregate classification (germline): Uncertain significance (1 of 4 stars; one submission).

Conditions:
Hereditary cancer-predisposing syndrome. Also called: Neoplastic Syndromes, Hereditary; Tumor predisposition; Hereditary neoplastic syndrome; Hereditary Cancer Syndrome. Identifiers: Orphanet 140162, MedGen C0027672, MeSH D009386, MONDO:0015356.

Submission:

Ambry Genetics
Classification: Uncertain significance for Hereditary cancer-predisposing syndrome. Last evaluated: 2023-11-02. Review status: criteria provided, single submitter. Criteria: Ambry Variant Classification Scheme 2023. Collection method: clinical testing. Allele origin: germline.
Comment: The p.E864D variant (also known as c.2592A>C), located in coding exon 16 of the PTCH1 gene, results from an A to C substitution at nucleotide position 2592. The glutamic acid at codon 864 is replaced by aspartic acid, an amino acid with highly similar properties. This amino acid position is conserved. In addition, this alteration is predicted to be tolerated by in silico analysis. Since supporting evidence is limited at this time, the clinical significance of this alteration remains unclear.

NM_000264.5(PTCH1):c.2592A>C (p.Glu864Asp)

Gene: PTCH1 (patched 1; minus strand). Cytogenetic location: 9q22.32.
Variant type: single nucleotide variant.
Coding change: c.2592A>C on transcript NM_000264.5 (MANE Select); coding-DNA position 2592, A replaced by C.
Protein change: p.Glu864Asp; replaces glutamic acid 864 with aspartic acid.
Molecular consequence: missense variant. On other transcripts: non-coding transcript variant (1).
Genome position (GRCh38, 1-based): chr9:95,461,967, T>G on the plus strand (A>C on the coding strand, the complement: PTCH1 is on the minus strand). VCF-style: chr9-95461967-T-G. GRCh37 (hg19) VCF-style: chr9-98224249-T-G.
Other names: c.2394A>C, p.Glu798Asp (NM_001083602.3); c.2589A>C, p.Glu863Asp (NM_001083603.3); c.2139A>C, p.Glu713Asp (NM_001083604.3, NM_001083605.3, NM_001083606.3 and 1 more transcripts); c.2436A>C, p.Glu812Asp (NM_001354918.2); short protein forms E713D, E798D, E812D, E863D, E864D.
Identifiers: ClinVar variation 3230985 (VCV003230985.1), dbSNP rs1839515955, ClinGen allele CA374113520.
Genomic context (GRCh38, chr9:95,461,967, plus strand): 5'-GTAGGCAAGGACTCCATCGTCTGATCCATTCTTGTAATTGTTTGGCATGATTTTCCCGGT[T>G]TCCCAGTCACTGTCAAATGCATCCTGAAGTCCTAGAAATGGCAAATGATTGTAACACATT-3'
Protein context (NP_000255.2, residues 854-874): GLQDAFDSDW[Glu864Asp]TGKIMPNNYK